The following is an entry in ClinVar:

ClinVar aggregate classification (germline): Uncertain significance (1 of 4 stars; one submission).

Conditions:
Pulmonary hypertension, primary, 4. Identifiers: Orphanet 422, MedGen C3809198, MONDO:0014136, OMIM 615344.

Allele frequency attached by ClinVar (database versions not stated): TOPMed below 0.00001.

Submission:

Labcorp Genetics (formerly Invitae), Labcorp
Classification: Uncertain significance for Pulmonary hypertension, primary, 4. Last evaluated: 2022-01-15. Review status: criteria provided, single submitter. Criteria: Invitae Variant Classification Sherloc (09022015). Collection method: clinical testing. Allele origin: germline.
Comment: In summary, the available evidence is currently insufficient to determine the role of this variant in disease. Therefore, it has been classified as a Variant of Uncertain Significance. Algorithms developed to predict the effect of missense changes on protein structure and function are either unavailable or do not agree on the potential impact of this missense change (SIFT: "Deleterious"; PolyPhen-2: "Probably Damaging"; Align-GVGD: "Class C0"). This variant has not been reported in the literature in individuals affected with KCNK3-related conditions. This variant is not present in population databases (gnomAD no frequency). This sequence change replaces aspartic acid, which is acidic and polar, with asparagine, which is neutral and polar, at codon 204 of the KCNK3 protein (p.Asp204Asn).

NM_002246.3(KCNK3):c.610G>A (p.Asp204Asn)

Gene: KCNK3 (potassium two pore domain channel subfamily K member 3; plus strand). Cytogenetic location: 2p23.3.
Variant type: single nucleotide variant.
Coding change: c.610G>A on transcript NM_002246.3 (MANE Select); coding-DNA position 610, G replaced by A.
Protein change: p.Asp204Asn; replaces aspartic acid 204 with asparagine.
Molecular consequence: missense variant.
Genome position (GRCh38, 1-based): chr2:26,727,993, G>A. VCF-style: chr2-26727993-G-A. GRCh37 (hg19) VCF-style: chr2-26950861-G-A.
Other names: short protein forms D204N.
Identifiers: ClinVar variation 2084560 (VCV002084560.4), dbSNP rs1663455707, ClinGen allele CA346262382.